The following is an entry in ClinVar:

NM_024753.5(TTC21B):c.262G>C (p.Asp88His)

Gene: TTC21B (tetratricopeptide repeat domain 21B; minus strand). Cytogenetic location: 2q24.3.
Variant type: single nucleotide variant.
Coding change: c.262G>C on transcript NM_024753.5 (MANE Select); coding-DNA position 262, G replaced by C.
Protein change: p.Asp88His; replaces aspartic acid 88 with histidine.
Molecular consequence: missense variant.
Genome position (GRCh38, 1-based): chr2:165,949,394, C>G on the plus strand (G>C on the coding strand, the complement: TTC21B is on the minus strand). VCF-style: chr2-165949394-C-G. GRCh37 (hg19) VCF-style: chr2-166805904-C-G.
Other names: short protein forms D88H.
Identifiers: ClinVar variation 2117976 (VCV002117976.4), dbSNP rs2468254252, ClinGen allele CA349055312.
Genomic context (GRCh38, chr2:165,949,394, plus strand): 5'-AAAAATAAAAATAAACTGAATAGGAAAAAATGTCCTAAGCATTGCATTTAAATATCATAC[C>G]TGGATTAGGACTCATTTTATGGGCATATATCAGTGCAAGTAGAGAACAAAGTGATACATC-3'
Protein context (NP_079029.3, residues 78-98): IYAHKMSPNP[Asp88His]REAILESDAR

ClinVar aggregate classification (germline): Uncertain significance (1 of 4 stars; one submission).

Conditions:
Jeune thoracic dystrophy. Also called: Short-rib thoracic dysplasia; Jeune syndrome; Infantile thoracic dystrophy; Thoracic pelvic phalangeal dystrophy; Jeune's syndrome; Chondroectodermal dysplasia-like syndrome. Identifiers: Orphanet 474, MedGen C0265275, MONDO:0018770.
Nephronophthisis. Also called: Juvenile Nephronophthisis. Identifiers: Orphanet 655, MedGen C0687120, MONDO:0019005, HP:0000090.

Submission:

Labcorp Genetics (formerly Invitae), Labcorp
Classification: Uncertain significance for Jeune thoracic dystrophy; Nephronophthisis. Last evaluated: 2023-08-17. Review status: criteria provided, single submitter. Criteria: Invitae Variant Classification Sherloc (09022015). Collection method: clinical testing. Allele origin: germline.
Comment: An algorithm developed to predict the effect of missense changes on protein structure and function (PolyPhen-2) suggests that this variant is likely to be disruptive. ClinVar contains an entry for this variant (Variation ID: 2117976). This variant has not been reported in the literature in individuals affected with TTC21B-related conditions. This variant is not present in population databases (gnomAD no frequency). This sequence change replaces aspartic acid, which is acidic and polar, with histidine, which is basic and polar, at codon 88 of the TTC21B protein (p.Asp88His). This variant also falls at the last nucleotide of exon 3, which is part of the consensus splice site for this exon. In summary, the available evidence is currently insufficient to determine the role of this variant in disease. Therefore, it has been classified as a Variant of Uncertain Significance. Variants that disrupt the consensus splice site are a relatively common cause of aberrant splicing (PMID: 17576681, 9536098). Algorithms developed to predict the effect of sequence changes on RNA splicing suggest that this variant may disrupt the consensus splice site.

Literature cited by the submitters: PubMed 17576681; PubMed 9536098.